The following is an entry in ClinVar:

ClinVar aggregate classification (germline): Uncertain significance (1 of 4 stars; one submission).

Conditions:
Lysosomal acid lipase deficiency. Also called: Acid cholesteryl ester hydrolase deficiency, type 2. Identifiers: Orphanet 275761, MedGen C5574740, MONDO:0800449, MONDO:0010204.

gnomAD v4.1: 1 of 1,613,686 alleles (0.000062%); highest among the groups gnomAD compares: Non-Finnish European, 0.000085%; no homozygotes.

Submission:

Myriad Genetics, Inc.
Classification: Uncertain significance for Lysosomal acid lipase deficiency. Last evaluated: 2026-01-30. Review status: criteria provided, single submitter. Criteria: Myriad Autosomal Dominant, Autosomal Recessive and X-Linked Classification Criteria (2023). Collection method: clinical testing. Allele origin: unknown.
Comment: NM_000235.2(LIPA):c.421G>C(A141P) is a missense variant classified as a variant of uncertain significance in the context of lysosomal acid lipase deficiency. A141P has been observed in cases with relevant disease (PMID: 35614200). Relevant functional assessments of this variant are not available in the literature. A141P has not been observed in referenced population frequency databases. In summary, there is insufficient evidence to classify NM_000235.2(LIPA):c.421G>C(A141P) as pathogenic or benign. Please note: this variant was assessed in the context of healthy population screening.

Literature cited by the submitters: PubMed 35614200.

NM_000235.4(LIPA):c.421G>C (p.Ala141Pro)

Gene: LIPA (lipase A, lysosomal acid type; minus strand). Cytogenetic location: 10q23.31.
Variant type: single nucleotide variant.
Coding change: c.421G>C on transcript NM_000235.4 (MANE Select); coding-DNA position 421, G replaced by C.
Protein change: p.Ala141Pro; replaces alanine 141 with proline.
Molecular consequence: missense variant.
Genome position (GRCh38, 1-based): chr10:89,228,207, C>G on the plus strand (G>C on the coding strand, the complement: LIPA is on the minus strand). VCF-style: chr10-89228207-C-G. GRCh37 (hg19) VCF-style: chr10-90987964-C-G.
Other names: c.421G>C, p.Ala141Pro (NM_001127605.3, NM_001440818.1, NM_001440819.1 and 17 more transcripts); c.73G>C, p.Ala25Pro (NM_001288979.2); c.553G>C, p.Ala185Pro (NM_001440836.1); c.436G>C, p.Ala146Pro (NM_001440838.1); c.253G>C, p.Ala85Pro (NM_001440839.1); short protein forms A185P, A146P, A141P, A25P, A85P.
Identifiers: ClinVar variation 5003608 (VCV005003608.1).
Genomic context (GRCh38, chr10:89,228,207, plus strand): 5'-TGCTTTAAGAGTACTAAGGAAATACATCCATGCCATTATCAATTCATATATACCTGAAAG[C>G]CCAGAATTCATCCTGAGAAACTGAGAGTGTCTTATGTTTCCGAGACCAGGTATTTCCTCT-3'
Protein context (NP_000226.2, residues 131-151): TLSVSQDEFW[Ala141Pro]FSYDEMAKYD